The following is an entry in ClinVar:

NM_018368.4(LMBRD1):c.399del (p.Lys133fs)

Gene: LMBRD1 (LMBR1 domain containing 1; minus strand). Cytogenetic location: 6q13.
Variant type: Deletion.
Coding change: c.399del on transcript NM_018368.4 (MANE Select); coding-DNA position 399, one base deleted (A; older notation c.399delA).
Protein change: p.Lys133fs; shifts the reading frame from lysine 133.
Molecular consequence: frameshift variant.
Genome position (GRCh38, 1-based): chr6:69,752,265, T deleted on the plus strand (A on the coding strand, the reverse complement: LMBRD1 is on the minus strand); the first of 3 consecutive T bases (chr6:69,752,265-69,752,267); deleting any one gives the same sequence. VCF-style (leftmost placement, unchanged base first): chr6-69752264-AT-A. GRCh37 (hg19) VCF-style: chr6-70462156-AT-A.
Other names: c.180del, p.Lys60fs (NM_001363722.2, NM_001367271.1, NM_001367272.1); c.399delA (NM_018368.4); short protein forms K60fs, K133fs.
Identifiers: ClinVar variation 1371786 (VCV001371786.8), dbSNP rs1562112648, ClinGen allele CA917774853.
Genomic context (GRCh38, chr6:69,752,264, plus strand): 5'-CAGGTAATATTATTTTTCTTTCCTAAACTAAGGCCTCTAAAATAAAGATACTTACAGTAC[AT>A]TTACTAGTATCATCATCATCCTTTTCTTCATAATAGAAGTAGACAAAAGGGATCCAGAAG-3'

ClinVar aggregate classification (germline): Pathogenic/Likely pathogenic. Review status: criteria provided, multiple submitters, no conflicts (2 of 4 stars). 3 submissions from 3 submitters: Pathogenic (1); Likely pathogenic (2). Last evaluated 2025-12-03.

Conditions:
Methylmalonic aciduria and homocystinuria type cblF. Also called: METHYLMALONIC ACIDEMIA AND HOMOCYSTINURIA, cblF TYPE; METHYLMALONIC ACIDURIA DUE TO VITAMIN B12-RELEASE DEFECT; VITAMIN B12 LYSOSOMAL RELEASE DEFECT; VITAMIN B12 STORAGE DISEASE; COBALAMIN F DISEASE; COBALAMIN, DEFECT IN LYSOSOMAL RELEASE OF. Identifiers: Orphanet 79284, MedGen C1848578, MONDO:0010183, OMIM 277380.

Submissions (3):

Labcorp Genetics (formerly Invitae), Labcorp
Classification: Pathogenic for Methylmalonic aciduria and homocystinuria type cblF. Last evaluated: 2025-12-03. Review status: criteria provided, single submitter. Criteria: Invitae Variant Classification Sherloc (09022015). Collection method: clinical testing. Allele origin: germline.
Comment: This sequence change creates a premature translational stop signal (p.Lys133Asnfs*17) in the LMBRD1 gene. It is expected to result in an absent or disrupted protein product. Loss-of-function variants in LMBRD1 are known to be pathogenic (PMID: 19136951, 21303734). This variant is not present in population databases (gnomAD no frequency). This variant has not been reported in the literature in individuals affected with LMBRD1-related conditions. ClinVar contains an entry for this variant (Variation ID: 1371786). For these reasons, this variant has been classified as Pathogenic.

Fulgent Genetics
Classification: Likely pathogenic for Methylmalonic aciduria and homocystinuria type cblF. Last evaluated: 2024-01-30. Review status: criteria provided, single submitter. Criteria: ACMG Guidelines, 2015. Collection method: clinical testing. Allele origin: germline.

Department of Paediatric Medicine, Post Graduation Institute of Medical Education and Research
Classification: Likely pathogenic for Methylmalonic aciduria and homocystinuria type cblF. Last evaluated: 2023-03-01. Review status: criteria provided, single submitter. Criteria: ACMG Guidelines, 2015. Collection method: clinical testing. Allele origin: inherited. Inheritance: Autosomal recessive inheritance. Affected: no. Observed: 1 variant allele, 1 heterozygote.
Comment: PVS1, PM2, PP5

Literature cited by the submitters: PubMed 19136951 (cited by Labcorp Genetics (formerly Invitae), Labcorp); PubMed 21303734 (cited by Labcorp Genetics (formerly Invitae), Labcorp).